The following is an entry in ClinVar:

ClinVar aggregate classification (germline): Benign. Review status: criteria provided, multiple submitters, no conflicts (2 of 4 stars). 12 submissions from 12 submitters: Benign (9). 3 of the submissions do not count toward it. Last evaluated 2026-01-31.

Conditions:
Kidney disorder. Also called: Nephropathy; renal disorder; renal disease; Kidney disease; Kidney Diseases. Identifiers: MedGen C0022658, MONDO:0005240, HP:0000112.
X-linked Alport syndrome (ATS1). Also called: NEPHROPATHY AND DEAFNESS, X-LINKED; COL4A5-Related Nephropathy. Identifiers: Orphanet 63, Orphanet 88917, MedGen C4746986, MONDO:0010520, OMIM 301050.

Allele frequency attached by ClinVar (database versions not stated): ExAC 0.01488; 1000 Genomes Project 0.02861; gnomAD 0.03042 and 0.03239; 1000 Genomes Project 30x 0.03122; TOPMed 0.03494; ESP Exome Variant Server 0.03872; gnomAD exomes 0.00311 and 0.00888.
gnomAD v4.1: 6,962 of 1,206,410 alleles (0.58%); highest among the groups gnomAD compares: African/African-American, 11%; 242 homozygotes.

Submissions (12):

Labcorp Genetics (formerly Invitae), Labcorp
Classification: Benign. Last evaluated: 2026-01-31. Review status: criteria provided, single submitter. Criteria: Invitae Variant Classification Sherloc (09022015). Collection method: clinical testing. Allele origin: germline.

Women's Health and Genetics/Laboratory Corporation of America, LabCorp
Classification: Benign. Last evaluated: 2025-11-14. Review status: criteria provided, single submitter. Criteria: LabCorp Variant Classification Summary - May 2015. Collection method: clinical testing. Allele origin: germline.

Blueprint Genetics
Classification: Benign. Last evaluated: 2024-11-26. Review status: criteria provided, single submitter. Criteria: ACMG Guidelines, 2015. Collection method: clinical testing. Allele origin: germline.

Genome Diagnostics Laboratory, The Hospital for Sick Children
Classification: Benign for Kidney disorder. Last evaluated: 2021-11-16. Review status: criteria provided, single submitter. Criteria: ACMG Guidelines, 2015. Collection method: clinical testing. Allele origin: germline.

GeneDx
Classification: Benign. Last evaluated: 2018-12-18. Review status: criteria provided, single submitter. Criteria: GeneDx Variant Classification Process June 2021. Collection method: clinical testing. Allele origin: germline. Affected: yes.

Athena Diagnostics
Classification: Benign. Last evaluated: 2018-05-23. Review status: criteria provided, single submitter. Criteria: Athena Diagnostics Criteria. Collection method: clinical testing. Allele origin: germline.

Laboratory for Molecular Medicine, Mass General Brigham Personalized Medicine
Classification: Benign. Last evaluated: 2016-03-21. Review status: criteria provided, single submitter. Criteria: LMM Criteria. Collection method: clinical testing. Allele origin: germline. Observed: 7 variant alleles.
Comment: p.Gly1173Gly in exon 39 of COL4A5: This variant is not expected to have clinical significance because it does not alter an amino acid residue, is not located wi thin the splice consensus sequence, and has been identified in 12.25% (794/6480) of African chromosomes by the Exome Aggregation Consortium (ExAC; dbSNP rs61735627).

Breakthrough Genomics
Classification: Benign. Review status: criteria provided, single submitter. Criteria: ACMG Guidelines, 2015. Collection method: not provided. Allele origin: germline. Inheritance: X-linked inheritance. Affected: yes.

PreventionGenetics, part of Exact Sciences
Classification: Benign. Review status: criteria provided, single submitter. Criteria: ACMG Guidelines, 2015. Collection method: clinical testing. Allele origin: germline.

Natera, Inc.
Classification: Benign for X-linked Alport syndrome. Last evaluated: 2020-09-16. Review status: no assertion criteria provided. Collection method: clinical testing. Allele origin: germline. Not counted in ClinVar's aggregate classification.

Genome Diagnostics Laboratory, University Medical Center Utrecht
Classification: Benign. Review status: no assertion criteria provided. Collection method: clinical testing. Allele origin: germline. Affected: yes. Study: VKGL Data-share Consensus. Not counted in ClinVar's aggregate classification.

Joint Genome Diagnostic Labs from Nijmegen and Maastricht, Radboudumc and MUMC+
Classification: Likely benign. Review status: no assertion criteria provided. Collection method: clinical testing. Allele origin: germline. Affected: yes. Study: VKGL Data-share Consensus. Not counted in ClinVar's aggregate classification.

NM_033380.3(COL4A5):c.3519T>G (p.Gly1173=)

Gene: COL4A5 (collagen type IV alpha 5 chain; plus strand). Cytogenetic location: Xq22.3.
Variant type: single nucleotide variant.
Coding change: c.3519T>G on transcript NM_033380.3 (MANE Select); coding-DNA position 3519, T replaced by G.
Protein change: p.Gly1173=; no amino-acid change (glycine 1173 retained).
Molecular consequence: synonymous variant.
Genome position (GRCh38, 1-based): chrX:108,666,560, T>G. VCF-style: chrX-108666560-T-G. GRCh37 (hg19) VCF-style: chrX-107909790-T-G.
Other names: c.3519T>G, p.Gly1173= (NM_000495.5).
Identifiers: ClinVar variation 256280 (VCV000256280.26), dbSNP rs61735627, ClinGen allele CA10489125.
Genomic context (GRCh38, chrX:108,666,560, plus strand): 5'-TGGAGGTCATCCTGGGCAACCAGGGCCTCCAGGCGAAAAAGGCAAACCCGGTCAAGATGG[T>G]ATTCCTGGACCAGCTGGACAGAAGGGTGAACCAGGTGCTGTAGTTTTTCATTTTTCCTAT-3'
Protein context (NP_203699.1, residues 1163-1183): PGEKGKPGQD[Gly1173=]IPGPAGQKGE